The following is an entry in ClinVar:

NM_017780.4(CHD7):c.3605A>C (p.Glu1202Ala)

Gene: CHD7 (chromodomain helicase DNA binding protein 7; plus strand). Cytogenetic location: 8q12.2.
Variant type: single nucleotide variant.
Coding change: c.3605A>C on transcript NM_017780.4 (MANE Select); coding-DNA position 3605, A replaced by C.
Protein change: p.Glu1202Ala; replaces glutamic acid 1202 with alanine.
Molecular consequence: missense variant. On other transcripts: intron variant (1).
Genome position (GRCh38, 1-based): chr8:60,830,404, A>C. VCF-style: chr8-60830404-A-C. GRCh37 (hg19) VCF-style: chr8-61742963-A-C.
Other names: c.1717-31825A>C (NM_001316690.1); short protein forms E1202A.
Identifiers: ClinVar variation 5019447 (VCV005019447.2).
Genomic context (GRCh38, chr8:60,830,404, plus strand): 5'-TAAAGCCAATGATGTTGAGACGTCTCAAAGAGGATGTAGAAAAGAACTTGGCCCCCAAAG[A>C]AGAAACTATTATTGAAGTTGAGCTAACAAACATTCAGAAGAAATATTACCGAGCCATCCT-3'
Protein context (NP_060250.2, residues 1192-1212): EDVEKNLAPK[Glu1202Ala]ETIIEVELTN

ClinVar aggregate classification (germline): Uncertain significance (1 of 4 stars; one submission).

Conditions:
CHD7-related CHARGE syndrome. Identifiers: MedGen CN380413, MONDO:1010178, OMIM 214800.
Hypogonadotropic hypogonadism 5 with or without anosmia (KAL5). Also called: HYPOGONADOTROPIC HYPOGONADISM 5 WITH ANOSMIA; HYPOGONADOTROPHIC HYPOGONADISM 5 WITHOUT ANOSMIA; CHD7-Related GnRH Deficiency (Kallmann Syndrome 5). Identifiers: Orphanet 478, MedGen C3552553, MONDO:0012880, OMIM 612370. Disease mechanism: loss of function.

Submission:

Juno Genomics, Hangzhou Juno Genomics, Inc
Classification: Uncertain significance for CHD7-related CHARGE syndrome; Hypogonadotropic hypogonadism 5 with or without anosmia. Review status: criteria provided, single submitter. Criteria: ACMG Guidelines, 2015. Collection method: clinical testing. Allele origin: germline.
Comment: Absent from controls (or at extremely low frequency if recessive) in Genome Aggregation Database.;Multiple lines of computational evidence support a deleterious effect on the gene or gene product.;Missense variant in a gene that has a low rate of benign missense variation.